The following is an entry in ClinVar:

NM_001136191.3(KANK2):c.1736G>A (p.Gly579Glu)

Gene: KANK2 (KN motif and ankyrin repeat domains 2; minus strand). Cytogenetic location: 19p13.2.
Variant type: single nucleotide variant.
Coding change: c.1736G>A on transcript NM_001136191.3 (MANE Select); coding-DNA position 1736, G replaced by A.
Protein change: p.Gly579Glu; replaces glycine 579 with glutamic acid.
Molecular consequence: missense variant.
Genome position (GRCh38, 1-based): chr19:11,176,602, C>T on the plus strand (G>A on the coding strand, the complement: KANK2 is on the minus strand). VCF-style: chr19-11176602-C-T. GRCh37 (hg19) VCF-style: chr19-11287278-C-T.
Other names: c.1736G>A, p.Gly579Glu (NM_001329451.2, NM_001379555.1, NM_001379556.1 and 7 more transcripts); c.1760G>A, p.Gly587Glu (NM_001379548.1, NM_001379549.1, NM_001379550.1 and 5 more transcripts); short protein forms G579E, G587E.
Identifiers: ClinVar variation 2711660 (VCV002711660.3), dbSNP rs140675555, ClinGen allele CA9205555.

ClinVar aggregate classification (germline): Uncertain significance (1 of 4 stars; one submission).

Allele frequency attached by ClinVar (database versions not stated): gnomAD exomes below 0.00001; ExAC 0.00003; TOPMed 0.00004; gnomAD 0.00005; 1000 Genomes Project 0.00020; 1000 Genomes Project 30x 0.00031.
gnomAD v4.1: 11 of 1,600,046 alleles (0.00069%); highest among the groups gnomAD compares: African/African-American, 0.013%; no homozygotes.

Submission:

Labcorp Genetics (formerly Invitae), Labcorp
Classification: Uncertain significance. Last evaluated: 2025-06-12. Review status: criteria provided, single submitter. Criteria: Invitae Variant Classification Sherloc (09022015). Collection method: clinical testing. Allele origin: germline.
Comment: This sequence change replaces glycine, which is neutral and non-polar, with glutamic acid, which is acidic and polar, at codon 579 of the KANK2 protein (p.Gly579Glu). This variant is present in population databases (rs140675555, gnomAD 0.02%). This variant has not been reported in the literature in individuals affected with KANK2-related conditions. ClinVar contains an entry for this variant (Variation ID: 2711660). An algorithm developed to predict the effect of missense changes on protein structure and function outputs the following: PolyPhen-2: "Benign". The glutamic acid amino acid residue is found in multiple mammalian species, which suggests that this missense change does not adversely affect protein function. In summary, the available evidence is currently insufficient to determine the role of this variant in disease. Therefore, it has been classified as a Variant of Uncertain Significance.